The following is an entry in ClinVar:

ClinVar aggregate classification (germline): Uncertain significance (1 of 4 stars; one submission).

Conditions:
Deficiency of 3-hydroxyacyl-CoA dehydrogenase. Also called: 3-hydroxyacyl-CoA dehydrogenase deficiency; HADH DEFICIENCY. Identifiers: Orphanet 309127, Orphanet 71212, MedGen C1291230, MONDO:0017715, OMIM 231530.

gnomAD v4.1: 3 of 1,612,900 alleles (0.00019%); highest among the groups gnomAD compares: Admixed American, 0.0033%; no homozygotes.

Submission:

Labcorp Genetics (formerly Invitae), Labcorp
Classification: Uncertain significance for Deficiency of 3-hydroxyacyl-CoA dehydrogenase. Last evaluated: 2022-02-14. Review status: criteria provided, single submitter. Criteria: Invitae Variant Classification Sherloc (09022015). Collection method: clinical testing. Allele origin: germline.
Comment: In summary, the available evidence is currently insufficient to determine the role of this variant in disease. Therefore, it has been classified as a Variant of Uncertain Significance. Algorithms developed to predict the effect of missense changes on protein structure and function are either unavailable or do not agree on the potential impact of this missense change (SIFT: "Deleterious"; PolyPhen-2: "Benign"; Align-GVGD: "Class C0"). This variant has not been reported in the literature in individuals affected with HADH-related conditions. This variant is present in population databases (no rsID available, gnomAD 0.003%). This sequence change replaces serine, which is neutral and polar, with phenylalanine, which is neutral and non-polar, at codon 11 of the HADH protein (p.Ser11Phe).

NM_005327.7(HADH):c.32C>T (p.Ser11Phe)

Gene: HADH (hydroxyacyl-CoA dehydrogenase; plus strand). Cytogenetic location: 4q25.
Variant type: single nucleotide variant.
Coding change: c.32C>T on transcript NM_005327.7 (MANE Select); coding-DNA position 32, C replaced by T.
Protein change: p.Ser11Phe; replaces serine 11 with phenylalanine.
Molecular consequence: missense variant.
Genome position (GRCh38, 1-based): chr4:107,989,964, C>T. VCF-style: chr4-107989964-C-T. GRCh37 (hg19) VCF-style: chr4-108911120-C-T.
Other names: c.32C>T, p.Ser11Phe (NM_001184705.4); short protein forms S11F.
Identifiers: ClinVar variation 2184946 (VCV002184946.2), dbSNP rs1246291541, ClinGen allele CA357828550.